The following is an entry in ClinVar:

NM_003560.4(PLA2G6):c.2365A>T (p.Ile789Phe)

Gene: PLA2G6 (phospholipase A2 group VI; minus strand). Cytogenetic location: 22q13.1.
Variant type: single nucleotide variant.
Coding change: c.2365A>T on transcript NM_003560.4 (MANE Select); coding-DNA position 2365, A replaced by T.
Protein change: p.Ile789Phe; replaces isoleucine 789 with phenylalanine.
Molecular consequence: missense variant.
Genome position (GRCh38, 1-based): chr22:38,112,217, T>A on the plus strand (A>T on the coding strand, the complement: PLA2G6 is on the minus strand). VCF-style: chr22-38112217-T-A. GRCh37 (hg19) VCF-style: chr22-38508224-T-A.
Other names: c.2203A>T, p.Ile735Phe (NM_001004426.3, NM_001199562.3, NM_001349865.2 and 1 more transcripts); c.2365A>T, p.Ile789Phe (NM_001349864.2); c.1831A>T, p.Ile611Phe (NM_001349867.2); c.1687A>T, p.Ile563Phe (NM_001349868.2); c.1669A>T, p.Ile557Phe (NM_001349869.2); short protein forms I557F, I563F, I611F, I735F, I789F.
Identifiers: ClinVar variation 3777502 (VCV003777502.1).

ClinVar aggregate classification (germline): Uncertain significance (1 of 4 stars; one submission).

Submission:

GeneDx
Classification: Uncertain significance. Last evaluated: 2024-10-11. Review status: criteria provided, single submitter. Criteria: GeneDx Variant Classification Process June 2021. Collection method: clinical testing. Allele origin: germline. Affected: yes.
Comment: Not observed at significant frequency in large population cohorts (gnomAD); In silico analysis indicates that this missense variant does not alter protein structure/function; Has not been previously published as pathogenic or benign to our knowledge